The following is an entry in ClinVar:

ClinVar aggregate classification (germline): Uncertain significance. Review status: criteria provided, multiple submitters, no conflicts (2 of 4 stars). 5 submissions from 5 submitters: Uncertain significance (4). 1 of the submissions does not count toward it. Last evaluated 2025-05-14.

Conditions:
Malignant hyperthermia, susceptibility to, 1 (MHS1). Also called: Malignant hyperthermia suceptibility 1; Anesthesia related hyperthermia; Malignant hyperpyrexia; Fulminating hyperpyrexia; Pharmacogenic myopathy; RYR1-Related Malignant Hyperthermia Susceptibility. Identifiers: Orphanet 423, MedGen C2930980, MONDO:0007783, OMIM 145600.

gnomAD v4.1: 2 of 1,612,496 alleles (0.00012%); highest among the groups gnomAD compares: Non-Finnish European, 0.00017%; no homozygotes.

Submissions (5):

Color Diagnostics, LLC DBA Color Health
Classification: Uncertain significance for Malignant hyperthermia, susceptibility to, 1. Last evaluated: 2025-05-14. Review status: criteria provided, single submitter. Criteria: ACMG Guidelines, 2015. Collection method: clinical testing. Allele origin: germline.
Comment: This missense variant replaces alanine with proline at codon 2421 of the RYR1 protein. Computational prediction suggests that this variant may have deleterious impact on protein structure and function. To our knowledge, functional studies have not been reported for this variant. This variant has not been reported in individuals affected with RYR1-related disorders in the literature. This variant has been identified in 1/251378 chromosomes in the general population by the Genome Aggregation Database (gnomAD). The available evidence is insufficient to determine the role of this variant in disease conclusively. Therefore, this variant is classified as a Variant of Uncertain Significance.

All of Us Research Program, National Institutes of Health
Classification: Uncertain significance for Malignant hyperthermia, susceptibility to, 1. Last evaluated: 2024-01-11. Review status: criteria provided, single submitter. Criteria: ACMG Guidelines, 2015. Collection method: clinical testing. Allele origin: germline. Inheritance: Autosomal dominant inheritance. Observed: 1 variant allele, 1 heterozygote.
Comment: This study involves interpretation of variants in research participants for the purpose of population health screening. Participant phenotype was not available at the time of variant classification. Additional details can be found in publication PMID: 35346344, PMCID: PMC8962531

CeGaT Center for Human Genetics Tuebingen
Classification: Uncertain significance. Last evaluated: 2024-01-01. Review status: criteria provided, single submitter. Criteria: CeGaT Center For Human Genetics Tuebingen Variant Classification Criteria Version 2. Collection method: clinical testing. Allele origin: germline. Affected: yes. Observed: 1 variant allele.
Comment: RYR1: PM1, PM2:Supporting, PM3:Supporting, PP3

Revvity Omics, Revvity
Classification: Uncertain significance. Last evaluated: 2019-08-28. Review status: criteria provided, single submitter. Criteria: ACMG Guidelines, 2015. Collection method: clinical testing. Allele origin: germline.

RYR1 database
No classification provided. Review status: no classification provided. Collection method: not provided. Allele origin: unknown. Not counted in ClinVar's aggregate classification.

NM_000540.3(RYR1):c.7261G>C (p.Ala2421Pro)

Gene: RYR1 (ryanodine receptor 1; plus strand). Cytogenetic location: 19q13.2.
Variant type: single nucleotide variant.
Coding change: c.7261G>C on transcript NM_000540.3 (MANE Select); coding-DNA position 7261, G replaced by C.
Protein change: p.Ala2421Pro; replaces alanine 2421 with proline.
Molecular consequence: missense variant.
Genome position (GRCh38, 1-based): chr19:38,499,954, G>C. VCF-style: chr19-38499954-G-C. GRCh37 (hg19) VCF-style: chr19-38990594-G-C.
Other names: c.7261G>C, p.Ala2421Pro (NM_001042723.2); short protein forms A2421P.
Identifiers: ClinVar variation 133192 (VCV000133192.28), dbSNP rs193922808, ClinGen allele CA024730.